The following is an entry in ClinVar:

NM_144687.4(NLRP12):c.899A>G (p.Lys300Arg)

Gene: NLRP12 (NLR family pyrin domain containing 12; minus strand). Cytogenetic location: 19q13.42.
Variant type: single nucleotide variant.
Coding change: c.899A>G on transcript NM_144687.4 (MANE Select); coding-DNA position 899, A replaced by G.
Protein change: p.Lys300Arg; replaces lysine 300 with arginine.
Molecular consequence: missense variant.
Genome position (GRCh38, 1-based): chr19:53,810,760, T>C on the plus strand (A>G on the coding strand, the complement: NLRP12 is on the minus strand). VCF-style: chr19-53810760-T-C. GRCh37 (hg19) VCF-style: chr19-54314014-T-C.
Other names: c.899A>G, p.Lys300Arg (NM_001277126.2, NM_001277129.1); short protein forms K300R.
Identifiers: ClinVar variation 3647045 (VCV003647045.2).

ClinVar aggregate classification (germline): Uncertain significance (1 of 4 stars; one submission).

Conditions:
Familial cold autoinflammatory syndrome 2 (FCAS2). Identifiers: Orphanet 247868, MedGen C2673198, MONDO:0012724, OMIM 611762.

Submission:

Labcorp Genetics (formerly Invitae), Labcorp
Classification: Uncertain significance for Familial cold autoinflammatory syndrome 2. Last evaluated: 2024-03-20. Review status: criteria provided, single submitter. Criteria: Invitae Variant Classification Sherloc (09022015). Collection method: clinical testing. Allele origin: germline.
Comment: This sequence change replaces lysine, which is basic and polar, with arginine, which is basic and polar, at codon 300 of the NLRP12 protein (p.Lys300Arg). This variant is not present in population databases (gnomAD no frequency). This variant has not been reported in the literature in individuals affected with NLRP12-related conditions. Advanced modeling of protein sequence and biophysical properties (such as structural, functional, and spatial information, amino acid conservation, physicochemical variation, residue mobility, and thermodynamic stability) performed at Invitae indicates that this missense variant is not expected to disrupt NLRP12 protein function with a negative predictive value of 80%. In summary, the available evidence is currently insufficient to determine the role of this variant in disease. Therefore, it has been classified as a Variant of Uncertain Significance.